The following is an entry in ClinVar:

NM_025265.4(TSEN2):c.472G>A (p.Val158Ile)

Gene: TSEN2 (tRNA splicing endonuclease subunit 2; plus strand). Cytogenetic location: 3p25.2.
Variant type: single nucleotide variant.
Coding change: c.472G>A on transcript NM_025265.4 (MANE Select); coding-DNA position 472, G replaced by A.
Protein change: p.Val158Ile; replaces valine 158 with isoleucine.
Molecular consequence: missense variant. On other transcripts: non-coding transcript variant (1).
Genome position (GRCh38, 1-based): chr3:12,503,425, G>A. VCF-style: chr3-12503425-G-A. GRCh37 (hg19) VCF-style: chr3-12544924-G-A.
Other names: c.472G>A, p.Val158Ile (NM_001145392.2, NM_001145393.3, NM_001145394.2 and 3 more transcripts); short protein forms V158I.
Identifiers: ClinVar variation 1695989 (VCV001695989.3), dbSNP rs763286358, ClinGen allele CA2258524.

ClinVar aggregate classification (germline): Uncertain significance. Review status: criteria provided, multiple submitters, no conflicts (2 of 4 stars). 2 submissions from 2 submitters: Uncertain significance (2). Last evaluated 2023-04-07.

Conditions:
Inborn genetic diseases. Identifiers: MedGen C0950123, MeSH D030342.

Allele frequency attached by ClinVar (database versions not stated): gnomAD exomes 0.00002 and 0.00004; TOPMed 0.00003; ExAC 0.00004; gnomAD 0.00004.

Submissions (2):

Ambry Genetics
Classification: Uncertain significance for Inborn genetic diseases. Last evaluated: 2023-04-07. Review status: criteria provided, single submitter. Criteria: Ambry Variant Classification Scheme 2023. Collection method: clinical testing. Allele origin: germline.

Women's Health and Genetics/Laboratory Corporation of America, LabCorp
Classification: Uncertain significance. Last evaluated: 2022-05-20. Review status: criteria provided, single submitter. Criteria: LabCorp Variant Classification Summary - May 2015. Collection method: clinical testing. Allele origin: germline.
Comment: Variant summary: TSEN2 c.472G>A (p.Val158Ile) results in a conservative amino acid change in the encoded protein sequence. Five of five in-silico tools predict a benign effect of the variant on protein function. The variant allele was found at a frequency of 4e-05 in 251404 control chromosomes. This frequency is not significantly higher than estimated for a pathogenic variant in TSEN2 causing Pontocerebellar Hypoplasia, Type 2B (4e-05 vs 0.0011), allowing no conclusion about variant significance. To our knowledge, no occurrence of c.472G>A in individuals affected with Pontocerebellar Hypoplasia, Type 2B and no experimental evidence demonstrating its impact on protein function have been reported. No clinical diagnostic laboratories have submitted clinical-significance assessments for this variant to ClinVar after 2014. Based on the evidence outlined above, the variant was classified as uncertain significance.